The following is an entry in ClinVar:

ClinVar aggregate classification (germline): Likely pathogenic (1 of 4 stars; one submission).

Conditions:
Dilated cardiomyopathy 1DD (CMD1DD). Identifiers: Orphanet 154, MedGen C2750995, MONDO:0013168, OMIM 613172.

Submission:

Labcorp Genetics (formerly Invitae), Labcorp
Classification: Likely pathogenic for Dilated cardiomyopathy 1DD. Last evaluated: 2025-12-08. Review status: criteria provided, single submitter. Criteria: Invitae Variant Classification Sherloc (09022015). Collection method: clinical testing. Allele origin: germline.
Comment: This sequence change affects an acceptor splice site in intron 10 of the RBM20 gene. It is expected to disrupt RNA splicing. Variants that disrupt the donor or acceptor splice site typically lead to a loss of protein function (PMID: 16199547), and loss-of-function variants in RBM20 are known to be pathogenic (PMID: 20590677, 22004663, 38288598, 38510713, 40339755). This variant is not present in population databases (gnomAD no frequency). This variant has not been reported in the literature in individuals affected with RBM20-related conditions. ClinVar contains an entry for this variant (Variation ID: 3639995). Algorithms developed to predict the effect of sequence changes on RNA splicing suggest that this variant may disrupt the consensus splice site. In summary, the currently available evidence indicates that the variant is pathogenic, but additional data are needed to prove that conclusively. Therefore, this variant has been classified as Likely Pathogenic.

Literature cited by the submitters: PubMed 16199547; PubMed 20590677; PubMed 22004663; PubMed 38288598; PubMed 38510713; PubMed 40339755.

NM_001134363.3(RBM20):c.2656-1G>C

Gene: RBM20 (RNA binding motif protein 20; plus strand). Cytogenetic location: 10q25.2.
Variant type: single nucleotide variant.
Coding change: c.2656-1G>C on transcript NM_001134363.3 (MANE Select); the canonical splice acceptor site of the intron before coding-DNA position 2656, G replaced by C.
Molecular consequence: splice acceptor variant.
Genome position (GRCh38, 1-based): chr10:110,821,274, G>C. VCF-style: chr10-110821274-G-C. GRCh37 (hg19) VCF-style: chr10-112581032-G-C.
Identifiers: ClinVar variation 3639995 (VCV003639995.2).